The following is an entry in ClinVar:

ClinVar aggregate classification (germline): Uncertain significance. Review status: criteria provided, multiple submitters, no conflicts (2 of 4 stars). 2 submissions from 2 submitters: Uncertain significance (2). Last evaluated 2026-09-04.

Conditions:
Hereditary pheochromocytoma and paraganglioma. Also called: Hereditary paragangliomas and pheochromocytomas; Hereditary pheochromocytoma-paraganglioma; Hereditary Paraganglioma-Pheochromocytoma Syndromes. Identifiers: Orphanet 29072, MedGen C4274332, MONDO:0017366.
Hereditary cancer-predisposing syndrome. Also called: Hereditary Cancer Syndrome; Tumor predisposition; Neoplastic Syndromes, Hereditary; Hereditary neoplastic syndrome. Identifiers: Orphanet 140162, MedGen C0027672, MeSH D009386, MONDO:0015356.

Submissions (2):

Ambry Genetics
Classification: Uncertain significance for Hereditary cancer-predisposing syndrome. Last evaluated: 2026-09-04. Review status: criteria provided, single submitter. Criteria: Ambry Variant Classification Scheme 2023. Collection method: clinical testing. Allele origin: germline.
Comment: The c.480_482dupGCA variant (also known as p.Q160dup), located in coding exon 3 of the TMEM127 gene, results from an in-frame duplication of GCA at nucleotide positions 480 to 482. This results in the duplication of an extra glutamine residue between codons 160 and 161. This amino acid position is highly conserved in available vertebrate species. In addition, the in silico prediction for this variant is inconclusive (Choi Y et al. PLoS ONE. 2012; 7(10):e46688). Based on the available evidence, the clinical significance of this variant remains unclear.

Labcorp Genetics (formerly Invitae), Labcorp
Classification: Uncertain significance for Hereditary pheochromocytoma and paraganglioma. Last evaluated: 2024-04-10. Review status: criteria provided, single submitter. Criteria: Invitae Variant Classification Sherloc (09022015). Collection method: clinical testing. Allele origin: germline.
Comment: This variant, c.480_482dup, results in the insertion of 1 amino acid(s) of the TMEM127 protein (p.Gln160dup), but otherwise preserves the integrity of the reading frame. This variant is present in population databases (no rsID available, gnomAD 0.003%). This variant has not been reported in the literature in individuals affected with TMEM127-related conditions. Experimental studies and prediction algorithms are not available or were not evaluated, and the functional significance of this variant is currently unknown. In summary, the available evidence is currently insufficient to determine the role of this variant in disease. Therefore, it has been classified as a Variant of Uncertain Significance.

NM_017849.4(TMEM127):c.471GCA[5] (p.Gln160dup)

Gene: TMEM127 (transmembrane protein 127; minus strand). Cytogenetic location: 2q11.2.
Variant type: Microsatellite.
Coding change: c.471GCA[5] on transcript NM_017849.4 (MANE Select); five copies in a row of the 3-base unit GCA starting at c.471; the reference has four copies in a row; one copy, 3 bases duplicated.
Protein change: p.Gln160dup; duplicates glutamine 160.
Molecular consequence: inframe insertion.
Genome position (GRCh38, 1-based): chr2:96,254,043-96,254,045, TGC duplicated on the plus strand (GCA on the coding strand, the reverse complement: TMEM127 is on the minus strand); duplicating any 3 consecutive bases within chr2:96,254,043-96,254,056 gives the same sequence; the position shown is the placement nearest the transcript's 3' end. VCF-style (leftmost placement, unchanged base first): chr2-96254042-A-ATGC. GRCh37 (hg19) VCF-style: chr2-96919780-A-ATGC.
Other names: c.480_482dupGCA (NM_017849.3); c.471GCA[5], p.Gln160dup (NM_001193304.3).
Identifiers: ClinVar variation 1440924 (VCV001440924.9), dbSNP rs777748763, ClinGen allele CA534634932.